The following is an entry in ClinVar:

ClinVar aggregate classification (germline): Uncertain significance (1 of 4 stars; one submission).

gnomAD v4.1: 1 of 1,614,048 alleles (0.000062%); highest among the groups gnomAD compares: Admixed American, 0.0017%; no homozygotes.

Submission:

Labcorp Genetics (formerly Invitae), Labcorp
Classification: Uncertain significance. Last evaluated: 2022-09-27. Review status: criteria provided, single submitter. Criteria: Invitae Variant Classification Sherloc (09022015). Collection method: clinical testing. Allele origin: germline.
Comment: In summary, the available evidence is currently insufficient to determine the role of this variant in disease. Therefore, it has been classified as a Variant of Uncertain Significance. This variant has not been reported in the literature in individuals affected with USH2A-related conditions. ClinVar contains an entry for this variant (Variation ID: 1361979). Advanced modeling of protein sequence and biophysical properties (such as structural, functional, and spatial information, amino acid conservation, physicochemical variation, residue mobility, and thermodynamic stability) has been performed at Invitae for this missense variant, however the output from this modeling did not meet the statistical confidence thresholds required to predict the impact of this variant on USH2A protein function. This sequence change replaces threonine, which is neutral and polar, with asparagine, which is neutral and polar, at codon 5200 of the USH2A protein (p.Thr5200Asn). This variant is not present in population databases (gnomAD no frequency).

NM_206933.4(USH2A):c.15599C>A (p.Thr5200Asn)

Gene: USH2A (usherin; minus strand). Cytogenetic location: 1q41.
Variant type: single nucleotide variant.
Coding change: c.15599C>A on transcript NM_206933.4 (MANE Select); coding-DNA position 15599, C replaced by A.
Protein change: p.Thr5200Asn; replaces threonine 5200 with asparagine.
Molecular consequence: missense variant.
Genome position (GRCh38, 1-based): chr1:215,625,791, G>T on the plus strand (C>A on the coding strand, the complement: USH2A is on the minus strand). VCF-style: chr1-215625791-G-T. GRCh37 (hg19) VCF-style: chr1-215799133-G-T.
Other names: short protein forms T5200N.
Identifiers: ClinVar variation 1361979 (VCV001361979.6), dbSNP rs2102621224, ClinGen allele CA344820246.